The following is an entry in ClinVar:

ClinVar aggregate classification (germline): Pathogenic. Review status: reviewed by expert panel (3 of 4 stars). 2 submissions from 2 submitters: Pathogenic (1). 1 of the submissions does not count toward it. Last evaluated 2016-09-08.

Conditions:
Breast-ovarian cancer, familial, susceptibility to, 2 (BROVCA2). Also called: BRCA2 Hereditary Breast and Ovarian Cancer. Identifiers: Orphanet 145, MedGen C2675520, MONDO:0012933, OMIM 612555. Disease mechanism: loss of function.

Submissions (2):

Evidence-based Network for the Interpretation of Germline Mutant Alleles (ENIGMA)
Classification: Pathogenic for Breast-ovarian cancer, familial, susceptibility to, 2. Last evaluated: 2016-09-08. Review status: reviewed by expert panel. Criteria: ENIGMA BRCA1/2 Classification Criteria (2015). Collection method: curation. Allele origin: germline.
Comment: Variant allele predicted to encode a truncated non-functional protein.

Breast Cancer Information Core (BIC) (BRCA2)
Classification: Pathogenic for Breast-ovarian cancer, familial 2. Last evaluated: 2002-05-29. Review status: no assertion criteria provided. Collection method: clinical testing. Allele origin: germline. Affected: yes. Observed: 1 variant allele. Not counted in ClinVar's aggregate classification.

NM_000059.4(BRCA2):c.2446del (p.Glu816fs)

Gene: BRCA2 (BRCA2 DNA repair associated; plus strand). Cytogenetic location: 13q13.1.
Variant type: Deletion.
Coding change: c.2446del on transcript NM_000059.4 (MANE Select); coding-DNA position 2446, one base deleted (G; older notation c.2446delG).
Protein change: p.Glu816fs; shifts the reading frame from glutamic acid 816.
Molecular consequence: frameshift variant.
Genome position (GRCh38, 1-based): chr13:32,336,801, G deleted; the last of 2 consecutive G bases (chr13:32,336,800-32,336,801); deleting either gives the same sequence. VCF-style (leftmost placement, unchanged base first): chr13-32336799-TG-T. GRCh37 (hg19) VCF-style: chr13-32910936-TG-T.
Other names: 2674delG; c.2446delG (NM_000059.3); short protein forms E816fs.
Identifiers: ClinVar variation 51287 (VCV000051287.4), dbSNP rs80359330, ClinGen allele CA015301.